The following is an entry in ClinVar:

ClinVar aggregate classification (germline): Conflicting classifications of pathogenicity. Review status: criteria provided, conflicting classifications (1 of 4 stars). 3 submissions from 3 submitters: Uncertain significance (1); Likely benign (1). 1 of the submissions does not count toward it. Last evaluated 2025-01-06.

Conditions:
Short-rib thoracic dysplasia 10 with or without polydactyly (SRTD10). Identifiers: Orphanet 474, MedGen C3810175, MONDO:0014284, OMIM 615630.
Retinitis pigmentosa 71 (RP71). Identifiers: Orphanet 791, MedGen C4225342, MONDO:0014618, OMIM 616394.
IFT172-related disorder. Also called: IFT172-related condition; IFT172-related disorders.

Allele frequency attached by ClinVar (database versions not stated): gnomAD exomes 0.00002; gnomAD 0.00012 and 0.00011; ExAC 0.00002; TOPMed 0.00012; ESP Exome Variant Server 0.00015.

Submissions (3):

Labcorp Genetics (formerly Invitae), Labcorp
Classification: Uncertain significance for Retinitis pigmentosa 71; Short-rib thoracic dysplasia 10 with or without polydactyly. Last evaluated: 2025-01-06. Review status: criteria provided, single submitter. Criteria: Invitae Variant Classification Sherloc (09022015). Collection method: clinical testing. Allele origin: germline.
Comment: This sequence change falls in intron 46 of the IFT172 gene. It does not directly change the encoded amino acid sequence of the IFT172 protein. It affects a nucleotide within the consensus splice site. This variant is present in population databases (rs370108416, gnomAD 0.03%). This variant has not been reported in the literature in individuals affected with IFT172-related conditions. ClinVar contains an entry for this variant (Variation ID: 1044431). Variants that disrupt the consensus splice site are a relatively common cause of aberrant splicing (PMID: 17576681, 9536098). Algorithms developed to predict the effect of sequence changes on RNA splicing suggest that this variant is not likely to affect RNA splicing. In summary, the available evidence is currently insufficient to determine the role of this variant in disease. Therefore, it has been classified as a Variant of Uncertain Significance.

GeneDx
Classification: Likely benign. Last evaluated: 2020-09-14. Review status: criteria provided, single submitter. Criteria: GeneDx Variant Classification Process June 2021. Collection method: clinical testing. Allele origin: germline. Affected: yes.

PreventionGenetics, part of Exact Sciences
Classification: Likely benign for IFT172-related condition. Last evaluated: 2022-04-15. Review status: no assertion criteria provided. Collection method: clinical testing. Allele origin: germline. Not counted in ClinVar's aggregate classification.
Comment: This variant is classified as likely benign based on ACMG/AMP sequence variant interpretation guidelines (Richards et al. 2015 PMID: 25741868, with internal and published modifications).

Literature cited by the submitters: PubMed 17576681 (cited by Labcorp Genetics (formerly Invitae), Labcorp); PubMed 9536098 (cited by Labcorp Genetics (formerly Invitae), Labcorp).

NM_015662.3(IFT172):c.5069-3C>T

Genes: IFT172 (intraflagellar transport 172; minus strand), KRTCAP3 (keratinocyte associated protein 3; plus strand). Cytogenetic location: 2p23.3.
Variant type: single nucleotide variant.
Coding change: c.5069-3C>T on transcript NM_015662.3 (MANE Select); 3 bases into the intron before coding-DNA position 5069, C replaced by T.
Molecular consequence: intron variant.
Genome position (GRCh38, 1-based): chr2:27,445,108, G>A on the plus strand (C>T on the coding strand, the complement: IFT172 is on the minus strand). VCF-style: chr2-27445108-G-A. GRCh37 (hg19) VCF-style: chr2-27667975-G-A.
Other names: c.*5+1047G>A (NM_001168364.2); c.5003-3C>T (NM_001410739.1).
Identifiers: ClinVar variation 1044431 (VCV001044431.10), dbSNP rs370108416, ClinGen allele CA1579363.